The following is an entry in ClinVar:

ClinVar aggregate classification (germline): Uncertain significance (1 of 4 stars; one submission).

gnomAD v4.1: 6 of 1,613,764 alleles (0.00037%); highest among the groups gnomAD compares: Non-Finnish European, 0.00051%; no homozygotes.

Submission:

Labcorp Genetics (formerly Invitae), Labcorp
Classification: Uncertain significance. Last evaluated: 2024-10-28. Review status: criteria provided, single submitter. Criteria: Invitae Variant Classification Sherloc (09022015). Collection method: clinical testing. Allele origin: germline.
Comment: This sequence change replaces tyrosine, which is neutral and polar, with serine, which is neutral and polar, at codon 703 of the DSG1 protein (p.Tyr703Ser). This variant is not present in population databases (gnomAD no frequency). This variant has not been reported in the literature in individuals affected with DSG1-related conditions. Invitae Evidence Modeling of protein sequence and biophysical properties (such as structural, functional, and spatial information, amino acid conservation, physicochemical variation, residue mobility, and thermodynamic stability) indicates that this missense variant is not expected to disrupt DSG1 protein function with a negative predictive value of 80%. In summary, the available evidence is currently insufficient to determine the role of this variant in disease. Therefore, it has been classified as a Variant of Uncertain Significance.

NM_001942.4(DSG1):c.2108A>C (p.Tyr703Ser)

Genes: DSG1 (desmoglein 1; plus strand), DSG1-AS1 (DSG1 antisense RNA 1; minus strand), LOC126862720 (MED14-independent group 3 enhancer GRCh37_chr18:28933613-28934812; plus strand). Cytogenetic location: 18q12.1.
Variant type: single nucleotide variant.
Coding change: c.2108A>C on transcript NM_001942.4 (MANE Select); coding-DNA position 2108, A replaced by C.
Protein change: p.Tyr703Ser; replaces tyrosine 703 with serine.
Molecular consequence: missense variant.
Genome position (GRCh38, 1-based): chr18:31,354,304, A>C. VCF-style: chr18-31354304-A-C. GRCh37 (hg19) VCF-style: chr18-28934267-A-C.
Other names: short protein forms Y703S.
Identifiers: ClinVar variation 3618587 (VCV003618587.2).